The following is an entry in ClinVar:

ClinVar aggregate classification (germline): Uncertain significance (1 of 4 stars; one submission).

gnomAD v4.1: 1 of 1,614,034 alleles (0.000062%); highest among the groups gnomAD compares: African/African-American, 0.0013%; no homozygotes.

Submission:

GeneDx
Classification: Uncertain significance. Last evaluated: 2025-07-11. Review status: criteria provided, single submitter. Criteria: GeneDx Variant Classification Process June 2021. Collection method: clinical testing. Allele origin: germline. Affected: yes.
Comment: Not observed at significant frequency in large population cohorts (gnomAD); In silico analysis suggests that this missense variant does not alter protein structure/function; Has not been previously published as pathogenic or benign to our knowledge

NM_001134407.3(GRIN2A):c.2887C>T (p.Leu963Phe)

Gene: GRIN2A (glutamate ionotropic receptor NMDA type subunit 2A; minus strand). Cytogenetic location: 16p13.2.
Variant type: single nucleotide variant.
Coding change: c.2887C>T on transcript NM_001134407.3 (MANE Select); coding-DNA position 2887, C replaced by T.
Protein change: p.Leu963Phe; replaces leucine 963 with phenylalanine.
Molecular consequence: missense variant.
Genome position (GRCh38, 1-based): chr16:9,764,657, G>A on the plus strand (C>T on the coding strand, the complement: GRIN2A is on the minus strand). VCF-style: chr16-9764657-G-A. GRCh37 (hg19) VCF-style: chr16-9858514-G-A.
Other names: c.2887C>T, p.Leu963Phe (NM_000833.5, NM_001134408.2); short protein forms L963F.
Identifiers: ClinVar variation 4685058 (VCV004685058.1).
Genomic context (GRCh38, chr16:9,764,657, plus strand): 5'-GTCCCTGGAATACATAGTTATTGAGGTTATCCTTCTGCCGGTTGGCCACAAATGTTTGGA[G>A]TTCGTTCATGTTGTCTCCAAAAATGCTCTCTTTCCCCTGAAAGGACCTGTTGTCTGAGTA-3'
Protein context (NP_001127879.1, residues 953-973): ESIFGDNMNE[Leu963Phe]QTFVANRQKD